The following is an entry in ClinVar:

NM_004006.3(DMD):c.5769del (p.Glu1924fs)

Gene: DMD (dystrophin; minus strand). Cytogenetic location: Xp21.1.
Variant type: Deletion.
Coding change: c.5769del on transcript NM_004006.3 (MANE Select); coding-DNA position 5769, one base deleted (A; older notation c.5769delA).
Protein change: p.Glu1924fs; shifts the reading frame from glutamic acid 1924.
Molecular consequence: frameshift variant.
Genome position (GRCh38, 1-based): chrX:32,342,253, T deleted on the plus strand (A on the coding strand, the reverse complement: DMD is on the minus strand); the first of 3 consecutive T bases (chrX:32,342,253-32,342,255); deleting any one gives the same sequence. VCF-style (leftmost placement, unchanged base first): chrX-32342252-CT-C. GRCh37 (hg19) VCF-style: chrX-32360369-CT-C.
Other names: c.5745del, p.Glu1916fs (NM_000109.4); c.5757del, p.Glu1920fs (NM_004009.3); c.5400del, p.Glu1801fs (NM_004010.3); c.1746del, p.Glu583fs (NM_004011.4); c.1737del, p.Glu580fs (NM_004012.4); short protein forms E1924fs, E1920fs, E580fs, E1916fs, E1801fs, E583fs.
Identifiers: ClinVar variation 3633340 (VCV003633340.2).

ClinVar aggregate classification (germline): Pathogenic (1 of 4 stars; one submission).

Conditions:
Duchenne muscular dystrophy (DMD). Also called: MUSCULAR DYSTROPHY, PSEUDOHYPERTROPHIC PROGRESSIVE, DUCHENNE TYPE; Duchenne Muscular Dystrophy (DMD). Identifiers: Orphanet 98896, MedGen C0013264, MONDO:0010679, OMIM 310200.

Submission:

Labcorp Genetics (formerly Invitae), Labcorp
Classification: Pathogenic for Duchenne muscular dystrophy. Last evaluated: 2024-01-25. Review status: criteria provided, single submitter. Criteria: Invitae Variant Classification Sherloc (09022015). Collection method: clinical testing. Allele origin: germline.
Comment: This sequence change creates a premature translational stop signal (p.Glu1924Argfs*3) in the DMD gene. It is expected to result in an absent or disrupted protein product. Loss-of-function variants in DMD are known to be pathogenic (PMID: 16770791, 25007885). This variant is not present in population databases (gnomAD no frequency). This variant has not been reported in the literature in individuals affected with DMD-related conditions. For these reasons, this variant has been classified as Pathogenic.

Literature cited by the submitters: PubMed 16770791; PubMed 25007885.